The following is an entry in ClinVar:

ClinVar aggregate classification (germline): Uncertain significance (1 of 4 stars; one submission).

Conditions:
Charcot-Marie-Tooth disease dominant intermediate B (CMTDIB). Also called: CHARCOT-MARIE-TOOTH NEUROPATHY, DOMINANT INTERMEDIATE B; Charcot-Marie-Tooth disease dominant intermediate 1; CMT DI1; Charcot-Marie-Tooth disease dominant intermediate I. Identifiers: Orphanet 100044, Orphanet 228179, MedGen C1847902, MONDO:0011674, OMIM 606482.

Allele frequency attached by ClinVar (database versions not stated): gnomAD exomes below 0.00001; TOPMed below 0.00001; ExAC 0.00001; gnomAD 0.00001.
gnomAD v4.1: 5 of 1,611,762 alleles (0.00031%); highest among the groups gnomAD compares: Non-Finnish European, 0.00042%; no homozygotes.

Submission:

Labcorp Genetics (formerly Invitae), Labcorp
Classification: Uncertain significance for Charcot-Marie-Tooth disease dominant intermediate B. Last evaluated: 2023-08-17. Review status: criteria provided, single submitter. Criteria: Invitae Variant Classification Sherloc (09022015). Collection method: clinical testing. Allele origin: germline.
Comment: In summary, the available evidence is currently insufficient to determine the role of this variant in disease. Therefore, it has been classified as a Variant of Uncertain Significance. Advanced modeling of protein sequence and biophysical properties (such as structural, functional, and spatial information, amino acid conservation, physicochemical variation, residue mobility, and thermodynamic stability) has been performed at Invitae for this missense variant, however the output from this modeling did not meet the statistical confidence thresholds required to predict the impact of this variant on DNM2 protein function. ClinVar contains an entry for this variant (Variation ID: 2146753). This variant has not been reported in the literature in individuals affected with DNM2-related conditions. The frequency data for this variant in the population databases is considered unreliable, as metrics indicate poor data quality at this position in the gnomAD database. This sequence change replaces proline, which is neutral and non-polar, with serine, which is neutral and polar, at codon 858 of the DNM2 protein (p.Pro858Ser).

NM_001005361.3(DNM2):c.2572C>T (p.Pro858Ser)

Gene: DNM2 (dynamin 2; plus strand). Cytogenetic location: 19p13.2.
Variant type: single nucleotide variant.
Coding change: c.2572C>T on transcript NM_001005361.3 (MANE Select); coding-DNA position 2572, C replaced by T.
Protein change: p.Pro858Ser; replaces proline 858 with serine.
Molecular consequence: missense variant.
Genome position (GRCh38, 1-based): chr19:10,831,006, C>T. VCF-style: chr19-10831006-C-T. GRCh37 (hg19) VCF-style: chr19-10941682-C-T.
Other names: c.2572C>T, p.Pro858Ser (NM_001005360.3); c.2560C>T, p.Pro854Ser (NM_001005362.3, NM_004945.4); c.2569C>T, p.Pro857Ser (NM_001190716.2); short protein forms P857S, P854S, P858S.
Identifiers: ClinVar variation 2146753 (VCV002146753.4), dbSNP rs757281551, ClinGen allele CA9201665.